The following is an entry in ClinVar:

ClinVar aggregate classification (germline): Uncertain significance. Review status: criteria provided, multiple submitters, no conflicts (2 of 4 stars). 6 submissions from 6 submitters: Uncertain significance (4). 2 of the submissions do not count toward it. Last evaluated 2025-07-31.

Conditions:
Osteochondritis dissecans. Identifiers: Orphanet 251262, Orphanet 2764, MedGen C0029421, MONDO:0017178, HP:0010886.
Short stature and advanced bone age, with or without early-onset osteoarthritis and/or osteochondritis dissecans (SSOAOD). Identifiers: Orphanet 251262, MedGen C3665488, MONDO:0100462, OMIM 165800.

Allele frequency attached by ClinVar (database versions not stated): ExAC 0.00001.

Submissions (6):

GeneDx
Classification: Uncertain significance. Last evaluated: 2025-07-31. Review status: criteria provided, single submitter. Criteria: GeneDx Variant Classification Process June 2021. Collection method: clinical testing. Allele origin: germline. Affected: yes.
Comment: Not observed at significant frequency in large population cohorts (gnomAD); In silico analysis supports a deleterious effect on splicing; Has not been previously published as pathogenic or benign to our knowledge

Labcorp Genetics (formerly Invitae), Labcorp
Classification: Uncertain significance. Last evaluated: 2024-02-16. Review status: criteria provided, single submitter. Criteria: Invitae Variant Classification Sherloc (09022015). Collection method: clinical testing. Allele origin: germline.
Comment: This sequence change affects codon 2425 of the ACAN mRNA. It is a 'silent' change, meaning that it does not change the encoded amino acid sequence of the ACAN protein. This variant is not present in population databases (gnomAD no frequency). This variant has not been reported in the literature in individuals affected with ACAN-related conditions. ClinVar contains an entry for this variant (Variation ID: 1328266). Algorithms developed to predict the effect of sequence changes on RNA splicing suggest that this variant may disrupt the consensus splice site. In summary, the available evidence is currently insufficient to determine the role of this variant in disease. Therefore, it has been classified as a Variant of Uncertain Significance.

Genetics and Molecular Pathology, SA Pathology
Classification: Uncertain significance for Short stature and advanced bone age, with or without early-onset osteoarthritis and/or osteochondritis dissecans. Last evaluated: 2022-07-20. Review status: criteria provided, single submitter. Criteria: ACMG Guidelines, 2015. Collection method: clinical testing. Allele origin: germline. Affected: yes.

3billion
Classification: Uncertain significance for Short stature and advanced bone age, with or without early-onset osteoarthritis and/or osteochondritis dissecans. Last evaluated: 2022-01-03. Review status: criteria provided, single submitter. Criteria: ACMG Guidelines, 2015. Collection method: clinical testing. Allele origin: germline. Affected: yes. Observed: 1 heterozygote.
Comment: The variant observed at an extremely low frequency in the gnomAD v2.1.1 dataset (total allele frequency: 0.000000, PM2_M). In silico prediction tools predicted that this variant influenced pre-mRNA splicing, resulting in aberrant splicing (SPLICEAI: 0.99>=0.8, PP3_P). Therefore, this variant is classified as uncertain significance according to the recommendation of ACMG/AMP guideline.

Joint Genome Diagnostic Labs from Nijmegen and Maastricht, Radboudumc and MUMC+
Classification: Uncertain significance. Review status: no assertion criteria provided. Collection method: clinical testing. Allele origin: germline. Affected: yes. Study: VKGL Data-share Consensus. Not counted in ClinVar's aggregate classification.

Laboratory of Diagnostic Genome Analysis, Leiden University Medical Center (LUMC)
Classification: Uncertain significance. Review status: no assertion criteria provided. Collection method: clinical testing. Allele origin: germline. Affected: yes. Study: VKGL Data-share Consensus. Not counted in ClinVar's aggregate classification.

NM_001369268.1(ACAN):c.7389C>T (p.Gly2463=)

Gene: ACAN (aggrecan; plus strand). Cytogenetic location: 15q26.1.
Variant type: single nucleotide variant.
Coding change: c.7389C>T on transcript NM_001369268.1 (MANE Select); coding-DNA position 7389, C replaced by T.
Protein change: p.Gly2463=; no amino-acid change (glycine 2463 retained).
Molecular consequence: synonymous variant.
Genome position (GRCh38, 1-based): chr15:88,872,967, C>T. VCF-style: chr15-88872967-C-T. GRCh37 (hg19) VCF-style: chr15-89416198-C-T.
Other names: c.7161C>T, p.Gly2387= (NM_001135.4); c.7275C>T, p.Gly2425= (NM_013227.4); c.7275C>T (NM_013227.3).
Identifiers: ClinVar variation 1328266 (VCV001328266.15), dbSNP rs747217927, ClinGen allele CA7720671.
Genomic context (GRCh38, chr15:88,872,967, plus strand): 5'-GCCTGACAACTTTTTTGCCGCTGGAGAGGACTGTGTGGTGATGATCTGGCACGAGAAGGG[C>T]GAGTGGAATGATGTTCCCTGCAATTACCACCTCCCCTTCACGTGTAAAAAGGGCACAGGT-3'
Protein context (NP_001356197.1, residues 2453-2473): DCVVMIWHEK[Gly2463=]EWNDVPCNYH